The following is an entry in ClinVar:

NM_052947.4(ALPK2):c.5373G>A (p.Lys1791=)

Gene: ALPK2 (alpha kinase 2; minus strand). Cytogenetic location: 18q21.31.
Variant type: single nucleotide variant.
Coding change: c.5373G>A on transcript NM_052947.4 (MANE Select); coding-DNA position 5373, G replaced by A.
Protein change: p.Lys1791=; no amino-acid change (lysine 1791 retained).
Molecular consequence: synonymous variant.
Genome position (GRCh38, 1-based): chr18:58,529,219, C>T on the plus strand (G>A on the coding strand, the complement: ALPK2 is on the minus strand). VCF-style: chr18-58529219-C-T. GRCh37 (hg19) VCF-style: chr18-56196451-C-T.
Identifiers: ClinVar variation 3060089 (VCV003060089.2), dbSNP rs7236563, ClinGen allele CA8976520.

ClinVar aggregate classification (germline): Benign (0 of 4 stars; one submission).

Conditions:
ALPK2-related disorder. Also called: ALPK2-related condition.

Allele frequency attached by ClinVar (database versions not stated): 1000 Genomes Project 0.37300; 1000 Genomes Project 30x 0.37367; TOPMed 0.45465; ExAC 0.46405; gnomAD 0.46704; ESP Exome Variant Server 0.47616; gnomAD exomes 0.52750.
gnomAD v4.1: 839,045 of 1,611,076 alleles (52%); highest among the groups gnomAD compares: Non-Finnish European, 56%; 224,642 homozygotes.

Submission:

PreventionGenetics, part of Exact Sciences
Classification: Benign for ALPK2-related condition. Last evaluated: 2019-10-17. Review status: no assertion criteria provided. Collection method: clinical testing. Allele origin: germline.
Comment: This variant is classified as benign based on ACMG/AMP sequence variant interpretation guidelines (Richards et al. 2015 PMID: 25741868, with internal and published modifications).